The following is an entry in ClinVar:

NM_000256.3(MYBPC3):c.809C>A (p.Ala270Asp)

Gene: MYBPC3 (myosin binding protein C3; minus strand). Cytogenetic location: 11p11.2.
Variant type: single nucleotide variant.
Coding change: c.809C>A on transcript NM_000256.3 (MANE Select); coding-DNA position 809, C replaced by A.
Protein change: p.Ala270Asp; replaces alanine 270 with aspartic acid.
Molecular consequence: missense variant.
Genome position (GRCh38, 1-based): chr11:47,347,869, G>T on the plus strand (C>A on the coding strand, the complement: MYBPC3 is on the minus strand). VCF-style: chr11-47347869-G-T. GRCh37 (hg19) VCF-style: chr11-47369420-G-T.
Other names: short protein forms A270D.
Identifiers: ClinVar variation 5037546 (VCV005037546.1).

ClinVar aggregate classification (germline): Uncertain significance (1 of 4 stars; one submission).

Submission:

GeneDx
Classification: Uncertain significance. Last evaluated: 2026-04-21. Review status: criteria provided, single submitter. Criteria: GeneDx Variant Classification Process June 2021. Collection method: clinical testing. Allele origin: germline.
Comment: Not observed at significant frequency in large population cohorts (gnomAD); In silico analysis supports that this missense variant has a deleterious effect on protein structure/function; Has not been previously published as pathogenic or benign to our knowledge